The following is an entry in ClinVar:

ClinVar aggregate classification (germline): Conflicting classifications of pathogenicity. Review status: criteria provided, conflicting classifications (1 of 4 stars). 2 submissions from 2 submitters: Uncertain significance (1); Likely benign (1). Last evaluated 2024-05-31.

Conditions:
Hereditary cancer-predisposing syndrome. Also called: Tumor predisposition; Hereditary Cancer Syndrome; Hereditary neoplastic syndrome; Neoplastic Syndromes, Hereditary. Identifiers: Orphanet 140162, MedGen C0027672, MeSH D009386, MONDO:0015356.

Submissions (2):

Ambry Genetics
Classification: Uncertain significance for Hereditary cancer-predisposing syndrome. Last evaluated: 2024-05-31. Review status: criteria provided, single submitter. Criteria: Ambry Variant Classification Scheme 2023. Collection method: clinical testing. Allele origin: germline.
Comment: The c.1167C>T variant (also known as p.G389G), located in coding exon 7 of the MSH3 gene, results from a C to T substitution at nucleotide position 1167. This nucleotide substitution does not change the glycine residue at codon 389. This nucleotide position is poorly conserved in available vertebrate species. In silico splice site analysis for this alteration is inconclusive. Based on the available evidence, the clinical significance of this variant remains unclear.

Labcorp Genetics (formerly Invitae), Labcorp
Classification: Likely benign. Last evaluated: 2024-02-17. Review status: criteria provided, single submitter. Criteria: Invitae Variant Classification Sherloc (09022015). Collection method: clinical testing. Allele origin: germline.

NM_002439.5(MSH3):c.1167C>T (p.Gly389=)

Gene: MSH3 (mutS homolog 3; plus strand). Cytogenetic location: 5q14.1.
Variant type: single nucleotide variant.
Coding change: c.1167C>T on transcript NM_002439.5 (MANE Select); coding-DNA position 1167, C replaced by T.
Protein change: p.Gly389=; no amino-acid change (glycine 389 retained).
Molecular consequence: synonymous variant.
Genome position (GRCh38, 1-based): chr5:80,675,122, C>T. VCF-style: chr5-80675122-C-T. GRCh37 (hg19) VCF-style: chr5-79970941-C-T.
Other names: c.1167C>T (NM_002439.3).
Identifiers: ClinVar variation 2091969 (VCV002091969.5), dbSNP rs2112816134, ClinGen allele CA445159957.
Genomic context (GRCh38, chr5:80,675,122, plus strand): 5'-GTGCATCTCTGAAAATAAGGAAAATGTTAGGGACAAAAAAAAGGGCAACATTTTTATTGG[C>T]ATTGTGGTAAGTACTTTGCAGGTGAGGAACAAATGTTAGATGTTCATGGTATCTCTAAAT-3'
Protein context (NP_002430.3, residues 379-399): RDKKKGNIFI[Gly389=]IVGVQPATGE